The following is an entry in ClinVar:

NM_000155.4(GALT):c.499T>C (p.Trp167Arg)

Gene: GALT (galactose-1-phosphate uridylyltransferase; plus strand). Cytogenetic location: 9p13.3.
Variant type: single nucleotide variant.
Coding change: c.499T>C on transcript NM_000155.4 (MANE Select); coding-DNA position 499, T replaced by C.
Protein change: p.Trp167Arg; replaces tryptophan 167 with arginine.
Molecular consequence: missense variant.
Genome position (GRCh38, 1-based): chr9:34,647,953, T>C. VCF-style: chr9-34647953-T-C. GRCh37 (hg19) VCF-style: chr9-34647950-T-C.
Other names: c.172T>C, p.Trp58Arg (NM_001258332.2); c.499T>C (NM_000155.3); short protein forms W58R.
Identifiers: ClinVar variation 2136756 (VCV002136756.5), dbSNP rs111033708, ClinGen allele CA259409.

ClinVar aggregate classification (germline): Likely pathogenic. Review status: criteria provided, multiple submitters, no conflicts (2 of 4 stars). 2 submissions from 2 submitters: Likely pathogenic (2). Last evaluated 2026-01-08.

Conditions:
Galactosemia. Also called: Galactose intolerance. Identifiers: Orphanet 352, MedGen C0016952, MONDO:0018116, HP:0004919. Disease mechanism: loss of function.
Deficiency of UDPglucose-hexose-1-phosphate uridylyltransferase. Also called: Transferase Deficiency Galactosemia; GALACTOSEMIA I; GALACTOSE-1-PHOSPHATE URIDYLYLTRANSFERASE DEFICIENCY; GALT deficiency; Galactosemia, classic. Identifiers: Orphanet 352, Orphanet 79239, MedGen C0268151, MONDO:0009258, OMIM 230400.

Allele frequency attached by ClinVar (database versions not stated): gnomAD 0.00001.
gnomAD v4.1: 1 of 1,614,036 alleles (0.000062%); highest among the groups gnomAD compares: African/African-American, 0.0013%; no homozygotes.

Submissions (2):

Natera, Inc.
Classification: Likely pathogenic for Galactosemia. Last evaluated: 2026-01-08. Review status: criteria provided, single submitter. Criteria: Natera Variant Classification Schema (03/2026). Collection method: clinical testing. Allele origin: germline.
Comment: The c.499T>C variant in GALT is a missense variant predicted to cause substitution of tryptophan to arginine at amino acid 167. This variant is rare in the general population with a frequency below the threshold expected for the associated phenotype(s). This variant has been observed in one or more individuals affected with the associated recessive disease, as either homozygous or compound heterozygous with a second variant (PMID: 34030713). Computational prediction algorithms indicate this variant is likely to affect gene or protein function. Given the available evidence, this variant is classified as Likely Pathogenic.

Labcorp Genetics (formerly Invitae), Labcorp
Classification: Likely pathogenic for Deficiency of UDPglucose-hexose-1-phosphate uridylyltransferase. Last evaluated: 2022-01-19. Review status: criteria provided, single submitter. Criteria: Invitae Variant Classification Sherloc (09022015). Collection method: clinical testing. Allele origin: germline.
Comment: In summary, the currently available evidence indicates that the variant is pathogenic, but additional data are needed to prove that conclusively. Therefore, this variant has been classified as Likely Pathogenic. Advanced modeling of protein sequence and biophysical properties (such as structural, functional, and spatial information, amino acid conservation, physicochemical variation, residue mobility, and thermodynamic stability) performed at Invitae indicates that this missense variant is expected to disrupt GALT protein function. This missense change has been observed in individual(s) with galactosemia (PMID: 10399107). This variant is not present in population databases (gnomAD no frequency). This sequence change replaces tryptophan, which is neutral and slightly polar, with arginine, which is basic and polar, at codon 167 of the GALT protein (p.Trp167Arg).

Literature cited by the submitters: PubMed 34030713 (cited by Natera, Inc.); PubMed 10399107 (cited by Labcorp Genetics (formerly Invitae), Labcorp).